The following is an entry in ClinVar:

NM_025216.3(WNT10A):c.1141del (p.His381fs)

Gene: WNT10A (Wnt family member 10A; plus strand). Cytogenetic location: 2q35.
Variant type: Deletion.
Coding change: c.1141del on transcript NM_025216.3 (MANE Select); coding-DNA position 1141, one base deleted (C; older notation c.1141delC).
Protein change: p.His381fs; shifts the reading frame from histidine 381.
Molecular consequence: frameshift variant.
Genome position (GRCh38, 1-based): chr2:218,893,158, C deleted; the last of 2 consecutive C bases (chr2:218,893,157-218,893,158); deleting either gives the same sequence. VCF-style (leftmost placement, unchanged base first): chr2-218893156-GC-G. GRCh37 (hg19) VCF-style: chr2-219757878-GC-G.
Other names: short protein forms H381fs.
Identifiers: ClinVar variation 3754935 (VCV003754935.2).

ClinVar aggregate classification (germline): Pathogenic (1 of 4 stars; one submission).

Conditions:
Odonto-onycho-dermal dysplasia. Identifiers: Orphanet 2721, MedGen C0796093, MONDO:0009773, OMIM 257980.
Tooth agenesis, selective, 4 (STHAG4). Also called: LATERAL INCISORS, ABSENCE OF; LATERAL INCISORS, PEGGED OR MISSING; SUCCEDANEOUS TEETH, AGENESIS OF; TOOTH AGENESIS, SELECTIVE, 4, WITH OR WITHOUT ECTODERMAL DYSPLASIA. Identifiers: Orphanet 99798, MedGen C1835492, MONDO:0007881, OMIM 150400. Disease mechanism: loss of function.

Submission:

Labcorp Genetics (formerly Invitae), Labcorp
Classification: Pathogenic for Tooth agenesis, selective, 4; Odonto-onycho-dermal dysplasia. Last evaluated: 2024-02-25. Review status: criteria provided, single submitter. Criteria: Invitae Variant Classification Sherloc (09022015). Collection method: clinical testing. Allele origin: germline.
Comment: This sequence change results in a frameshift in the WNT10A gene (p.His381Thrfs*57). While this is not anticipated to result in nonsense mediated decay, it is expected to disrupt the last 37 amino acid(s) of the WNT10A protein and extend the protein by 19 additional amino acid residues. This variant is not present in population databases (gnomAD no frequency). This variant has not been reported in the literature in individuals affected with WNT10A-related conditions. This variant disrupts a region of the WNT10A protein in which other variant(s) (p.Glu390*) have been determined to be pathogenic (PMID: 24902757). This suggests that this is a clinically significant region of the protein, and that variants that disrupt it are likely to be disease-causing. For these reasons, this variant has been classified as Pathogenic.

Literature cited by the submitters: PubMed 24902757.